The following is an entry in ClinVar:

ClinVar aggregate classification (germline): Uncertain significance. Review status: criteria provided, multiple submitters, no conflicts (2 of 4 stars). 4 submissions from 2 submitters: Uncertain significance (4). Last evaluated 2023-09-25.

Conditions:
Dystonia 27 (DYT27). Identifiers: Orphanet 464440, MedGen C4225336, MONDO:0014627, OMIM 616411.
Ullrich congenital muscular dystrophy 1A. Also called: Intermediate COL6-RD; Ullrich congenital muscular dystrophy 1. Identifiers: Orphanet 75840, MedGen C0410179, MONDO:0009681, OMIM 254090.
Bethlem myopathy 1A. Also called: MYOPATHY, BENIGN CONGENITAL, WITH CONTRACTURES; Bethlem Muscular Dystrophy; Bethlem myopathy 1. Identifiers: Orphanet 610, MedGen CN029274, MONDO:0024530, OMIM 158810.

Allele frequency attached by ClinVar (database versions not stated): gnomAD exomes below 0.00001; ExAC 0.00001; gnomAD 0.00001.
gnomAD v4.1: 4 of 1,614,124 alleles (0.00025%); highest among the groups gnomAD compares: Non-Finnish European, 0.00034%; no homozygotes.

Submissions (4):

Labcorp Genetics (formerly Invitae), Labcorp
Classification: Uncertain significance for Bethlem myopathy 1A. Last evaluated: 2023-09-25. Review status: criteria provided, single submitter. Criteria: Invitae Variant Classification Sherloc (09022015). Collection method: clinical testing. Allele origin: germline.
Comment: In summary, the available evidence is currently insufficient to determine the role of this variant in disease. Therefore, it has been classified as a Variant of Uncertain Significance. Advanced modeling of protein sequence and biophysical properties (such as structural, functional, and spatial information, amino acid conservation, physicochemical variation, residue mobility, and thermodynamic stability) performed at Invitae indicates that this missense variant is not expected to disrupt COL6A3 protein function. ClinVar contains an entry for this variant (Variation ID: 548596). This variant has not been reported in the literature in individuals affected with COL6A3-related conditions. This variant is present in population databases (rs755052076, gnomAD 0.002%). This sequence change replaces leucine, which is neutral and non-polar, with isoleucine, which is neutral and non-polar, at codon 746 of the COL6A3 protein (p.Leu746Ile).

Genomic Research Center, Shahid Beheshti University of Medical Sciences
Classification: Uncertain significance for Ullrich congenital muscular dystrophy 1A. Last evaluated: 2018-03-05. Review status: criteria provided, single submitter. Criteria: ACMG Guidelines, 2015. Collection method: clinical testing. Allele origin: inherited. Affected: yes. Observed: 1 variant allele.

Genomic Research Center, Shahid Beheshti University of Medical Sciences
Classification: Uncertain significance for Bethlem myopathy 1A. Last evaluated: 2018-03-05. Review status: criteria provided, single submitter. Criteria: ACMG Guidelines, 2015. Collection method: clinical testing. Allele origin: inherited. Affected: yes. Observed: 1 variant allele.

Genomic Research Center, Shahid Beheshti University of Medical Sciences
Classification: Uncertain significance for Dystonia 27. Last evaluated: 2018-03-05. Review status: criteria provided, single submitter. Criteria: ACMG Guidelines, 2015. Collection method: clinical testing. Allele origin: inherited. Affected: yes. Observed: 1 variant allele.

NM_004369.4(COL6A3):c.2236C>A (p.Leu746Ile)

Gene: COL6A3 (collagen type VI alpha 3 chain; minus strand). Cytogenetic location: 2q37.3.
Variant type: single nucleotide variant.
Coding change: c.2236C>A on transcript NM_004369.4 (MANE Select); coding-DNA position 2236, C replaced by A.
Protein change: p.Leu746Ile; replaces leucine 746 with isoleucine.
Molecular consequence: missense variant. On other transcripts: intron variant (1).
Genome position (GRCh38, 1-based): chr2:237,378,897, G>T on the plus strand (C>A on the coding strand, the complement: COL6A3 is on the minus strand). VCF-style: chr2-237378897-G-T. GRCh37 (hg19) VCF-style: chr2-238287540-G-T.
Other names: c.1015C>A, p.Leu339Ile (NM_057164.5); c.1618C>A, p.Leu540Ile (NM_057165.5, NM_057167.4); c.677-1553C>A (NM_057166.5); short protein forms L746I, L339I, L540I.
Identifiers: ClinVar variation 548596 (VCV000548596.8), dbSNP rs755052076, ClinGen allele CA2189446.